The following is an entry in ClinVar:

ClinVar aggregate classification (germline): Pathogenic (1 of 4 stars; one submission).

Conditions:
Neurofibromatosis, type 1 (NF1). Also called: Peripheral type neurofibromatosis; VON RECKLINGHAUSEN DISEASE; NEUROFIBROMATOSIS, TYPE I, SOMATIC; Neurofibromatosis, type I. Identifiers: Orphanet 636, MedGen C0027831, MONDO:0018975, OMIM 162200. Disease mechanism: loss of function.

Submission:

Labcorp Genetics (formerly Invitae), Labcorp
Classification: Pathogenic for Neurofibromatosis, type 1. Last evaluated: 2021-09-09. Review status: criteria provided, single submitter. Criteria: Invitae Variant Classification Sherloc (09022015). Collection method: clinical testing. Allele origin: germline.
Comment: This variant is a gross deletion of the genomic region encompassing exon(s) 36-56 of the NF1 gene. While this deletion is not anticipated to lead to nonsense mediated decay, it is expected to disrupt the C-terminus of the protein. A similar copy number variant has been observed in individual(s) with neurofibromatosis type 1 and determined to be pathogenic (PMID: 23656349; Invitae). The region of the NF1 gene that includes exon(s) 40-45 has been determined to be clinically significant (Invitae). Therefore, deletions that encompass that region are likely to be disease-causing. For these reasons, this variant has been classified as Pathogenic.

Literature cited by the submitters: PubMed 23656349.

NC_000017.11:g.(?_31325800)_(31360723_?)del

Genes: NF1 (neurofibromin 1; plus strand), LOC108281182 (NF1 intron 50 Alu-mediated recombination region; plus strand). Cytogenetic location: 17q11.2.
Variant type: Deletion.
Identifiers: ClinVar variation 584146 (VCV000584146.4).